The following is an entry in ClinVar:

ClinVar aggregate classification (germline): Pathogenic (1 of 4 stars; one submission).

Conditions:
Primary ciliary dyskinesia 3. Identifiers: Orphanet 244, MedGen C1837618, MONDO:0012085, OMIM 608644.

Submission:

Myriad Genetics, Inc.
Classification: Pathogenic for Primary ciliary dyskinesia 3. Last evaluated: 2024-05-14. Review status: criteria provided, single submitter. Criteria: Myriad Autosomal Dominant, Autosomal Recessive and X-Linked Classification Criteria (2023). Collection method: clinical testing. Allele origin: unknown.
Comment: NM_001369.2(DNAH5):c.9971_9972ins5(D3324Efs*16) is expected to be pathogenic in the context of primary ciliary dyskinesia, DNAH5-related. This variant is predicted to lead to an abnormal or absent protein product due to the creation of a premature termination codon in DNAH5, a gene where loss-of-function variants are known to be pathogenic. Please note: this variant was assessed in the context of healthy population screening.

NM_001369.3(DNAH5):c.9971_9972insGACAG (p.Asp3324fs)

Gene: DNAH5 (dynein axonemal heavy chain 5; minus strand). Cytogenetic location: 5p15.2.
Variant type: Insertion.
Coding change: c.9971_9972insGACAG on transcript NM_001369.3 (MANE Select); coding-DNA positions 9971 to 9972, GACAG inserted.
Protein change: p.Asp3324fs; shifts the reading frame from aspartic acid 3324.
Molecular consequence: frameshift variant.
Genome position: GRCh38 VCF-style: chr5-13766105-A-ACTGTC. GRCh37 (hg19) VCF-style: chr5-13766214-A-ACTGTC.
Other names: short protein forms D3324fs.
Identifiers: ClinVar variation 5016421 (VCV005016421.1).